The following is an entry in ClinVar:

NM_001184.4(ATR):c.5315C>T (p.Thr1772Met)

Gene: ATR (ATR checkpoint kinase; minus strand). Cytogenetic location: 3q23.
Variant type: single nucleotide variant.
Coding change: c.5315C>T on transcript NM_001184.4 (MANE Select); coding-DNA position 5315, C replaced by T.
Protein change: p.Thr1772Met; replaces threonine 1772 with methionine.
Molecular consequence: missense variant.
Genome position (GRCh38, 1-based): chr3:142,499,692, G>A on the plus strand (C>T on the coding strand, the complement: ATR is on the minus strand). VCF-style: chr3-142499692-G-A. GRCh37 (hg19) VCF-style: chr3-142218534-G-A.
Other names: c.5123C>T, p.Thr1708Met (NM_001354579.2); short protein forms T1772M, T1708M.
Identifiers: ClinVar variation 1746782 (VCV001746782.4), dbSNP rs761581896, ClinGen allele CA2649638.
Genomic context (GRCh38, chr3:142,499,692, plus strand): 5'-GCCAAATAGTTTTCCACCAAATCCCACTGTGACAATTTCCAAGCTGCTTCCACTCTGTAC[G>A]TGTTTAATTCATCTGTCCACTCGGACCTATTAAAAGAAACCCATATCAACTAAACTTTAA-3'
Protein context (NP_001175.2, residues 1762-1782): NRSEWTDELN[Thr1772Met]YRVEAAWKLS

ClinVar aggregate classification (germline): Uncertain significance. Review status: criteria provided, multiple submitters, no conflicts (2 of 4 stars). 2 submissions from 2 submitters: Uncertain significance (2). Last evaluated 2024-11-12.

Conditions:
Inborn genetic diseases. Identifiers: MedGen C0950123, MeSH D030342.

Allele frequency attached by ClinVar (database versions not stated): ExAC 0.00001; gnomAD exomes 0.00001; gnomAD 0.00002; TOPMed 0.00002.
gnomAD v4.1: 13 of 1,613,900 alleles (0.00081%); highest among the groups gnomAD compares: African/African-American, 0.0053%; no homozygotes.

Submissions (2):

Labcorp Genetics (formerly Invitae), Labcorp
Classification: Uncertain significance. Last evaluated: 2024-11-12. Review status: criteria provided, single submitter. Criteria: Invitae Variant Classification Sherloc (09022015). Collection method: clinical testing. Allele origin: germline.
Comment: This sequence change replaces threonine, which is neutral and polar, with methionine, which is neutral and non-polar, at codon 1772 of the ATR protein (p.Thr1772Met). This variant is present in population databases (rs761581896, gnomAD 0.005%). This variant has not been reported in the literature in individuals affected with ATR-related conditions. ClinVar contains an entry for this variant (Variation ID: 1746782). An algorithm developed to predict the effect of missense changes on protein structure and function (PolyPhen-2) suggests that this variant is likely to be disruptive. In summary, the available evidence is currently insufficient to determine the role of this variant in disease. Therefore, it has been classified as a Variant of Uncertain Significance.

Ambry Genetics
Classification: Uncertain significance for Inborn genetic diseases. Last evaluated: 2021-09-07. Review status: criteria provided, single submitter. Criteria: Ambry Variant Classification Scheme 2023. Collection method: clinical testing. Allele origin: germline.
Comment: The p.T1772M variant (also known as c.5315C>T), located in coding exon 31 of the ATR gene, results from a C to T substitution at nucleotide position 5315. The threonine at codon 1772 is replaced by methionine, an amino acid with similar properties. This amino acid position is conserved. In addition, this alteration is predicted to be tolerated by in silico analysis. Since supporting evidence is limited at this time, the clinical significance of this alteration remains unclear.